The following is an entry in ClinVar:

NM_001987.5(ETV6):c.1009+7188A>G

Gene: ETV6 (ETS variant transcription factor 6; plus strand). Cytogenetic location: 12p13.2.
Variant type: single nucleotide variant.
Coding change: c.1009+7188A>G on transcript NM_001987.5 (MANE Select); 7188 bases into the intron after coding-DNA position 1009, A replaced by G.
Molecular consequence: intron variant.
Genome position (GRCh38, 1-based): chr12:11,877,157, A>G. VCF-style: chr12-11877157-A-G. GRCh37 (hg19) VCF-style: chr12-12030091-A-G.
Other names: c.982+7188A>G (NM_001413914.1); c.1009+7188A>G (NM_001413917.1); c.1006+7188A>G (NM_001413913.1); c.745+7188A>G (NM_001413915.1).
Identifiers: ClinVar variation 2570819 (VCV002570819.27), dbSNP rs117966866, ClinGen allele CA13642658.
Genomic context (GRCh38, chr12:11,877,157, plus strand): 5'-TATATATACAAAGATTCAATTAGGGAAGCCTCTGAAGTAAGATGAAGAAAAAAGTATGAA[A>G]CTCCAGAGAAAGCAGTTTGAGGCTTATCCTCAGGGGCTTCAAGGACTGGGAGAAGTCACT-3'

ClinVar aggregate classification (germline): Likely benign (1 of 4 stars; one submission).

Allele frequency attached by ClinVar (database versions not stated): 1000 Genomes Project 0.00499; 1000 Genomes Project 30x 0.00547; TOPMed 0.00613; gnomAD 0.00674.
gnomAD v4.1: 1,018 of 152,196 alleles (0.67%); highest among the groups gnomAD compares: Middle Eastern, 2%; 7 homozygotes.

Submission:

CeGaT Center for Human Genetics Tuebingen
Classification: Likely benign. Last evaluated: 2026-09-01. Review status: criteria provided, single submitter. Criteria: CeGaT Center For Human Genetics Tuebingen Variant Classification Criteria Version 2. Collection method: clinical testing. Allele origin: germline. Affected: yes. Observed: 12 variant alleles.
Comment: ETV6: BS2